The following is an entry in ClinVar:

NM_001558.4(IL10RA):c.349C>T (p.Arg117Cys)

Gene: IL10RA (interleukin 10 receptor subunit alpha; plus strand). Cytogenetic location: 11q23.3.
Variant type: single nucleotide variant.
Coding change: c.349C>T on transcript NM_001558.4 (MANE Select); coding-DNA position 349, C replaced by T.
Protein change: p.Arg117Cys; replaces arginine 117 with cysteine.
Molecular consequence: missense variant. On other transcripts: non-coding transcript variant (1).
Genome position (GRCh38, 1-based): chr11:117,989,602, C>T. VCF-style: chr11-117989602-C-T. GRCh37 (hg19) VCF-style: chr11-117860317-C-T.
Other names: short protein forms R117C.
Identifiers: ClinVar variation 2751753 (VCV002751753.4), dbSNP rs759537444, ClinGen allele CA229441923.
Genomic context (GRCh38, chr11:117,989,602, plus strand): 5'-CGGGCCAGAGTGCGGGCTGTGGACGGCAGCCGGCACTCCAACTGGACCGTCACCAACACC[C>T]GCTTCTCTGTGGATGAAGGTGCTTTTCCTCCCTTGACTTAGAACATGGCTCTGAAGTCCC-3'
Protein context (NP_001549.2, residues 107-127): RHSNWTVTNT[Arg117Cys]FSVDEVTLTV

ClinVar aggregate classification (germline): Pathogenic. Review status: criteria provided, multiple submitters, no conflicts (2 of 4 stars). 2 submissions from 2 submitters: Pathogenic (2). Last evaluated 2025-09-17.

Conditions:
Inflammatory bowel disease 28. Also called: Inflammatory bowel disease 28, early onset, autosomal recessive. Identifiers: Orphanet 238569, MedGen C2751053, MONDO:0013153, OMIM 613148.
IL10RA-related disorder. Also called: IL10RA-related condition.

Allele frequency attached by ClinVar (database versions not stated): gnomAD 0.00001; TOPMed 0.00001; gnomAD exomes 0.00002.

Submissions (2):

Labcorp Genetics (formerly Invitae), Labcorp
Classification: Pathogenic for Inflammatory bowel disease 28. Last evaluated: 2025-09-17. Review status: criteria provided, single submitter. Criteria: Invitae Variant Classification Sherloc (09022015). Collection method: clinical testing. Allele origin: germline.
Comment: This sequence change replaces arginine, which is basic and polar, with cysteine, which is neutral and slightly polar, at codon 117 of the IL10RA protein (p.Arg117Cys). This variant is not present in population databases (gnomAD no frequency). This missense change has been observed in individual(s) with very early onset inflammatory bowel disease (PMID: 24001973, 30212871). In at least one individual the data is consistent with being in trans (on the opposite chromosome) from a pathogenic variant. It has also been observed to segregate with disease in related individuals. ClinVar contains an entry for this variant (Variation ID: 2751753). Invitae Evidence Modeling of protein sequence and biophysical properties (such as structural, functional, and spatial information, amino acid conservation, physicochemical variation, residue mobility, and thermodynamic stability) indicates that this missense variant is expected to disrupt IL10RA protein function with a positive predictive value of 80%. For these reasons, this variant has been classified as Pathogenic.

Blueprint Genetics
Classification: Pathogenic for IL10RA-related disorders. Last evaluated: 2022-07-14. Review status: criteria provided, single submitter. Criteria: ACMG Guidelines, 2015. Collection method: clinical testing. Allele origin: germline. Affected: yes. Observed: 4 variant alleles.

Literature cited by the submitters: PubMed 24001973 (cited by Labcorp Genetics (formerly Invitae), Labcorp); PubMed 30212871 (cited by Labcorp Genetics (formerly Invitae), Labcorp).